The following is an entry in ClinVar:

NM_000368.5(TSC1):c.1871C>G (p.Thr624Ser)

Gene: TSC1 (TSC complex subunit 1; minus strand). Cytogenetic location: 9q34.13.
Variant type: single nucleotide variant.
Coding change: c.1871C>G on transcript NM_000368.5 (MANE Select); coding-DNA position 1871, C replaced by G.
Protein change: p.Thr624Ser; replaces threonine 624 with serine.
Molecular consequence: missense variant.
Genome position (GRCh38, 1-based): chr9:132,905,707, G>C on the plus strand (C>G on the coding strand, the complement: TSC1 is on the minus strand). VCF-style: chr9-132905707-G-C. GRCh37 (hg19) VCF-style: chr9-135781094-G-C.
Other names: c.1868C>G, p.Thr623Ser (NM_001162426.2); c.1718C>G, p.Thr573Ser (NM_001162427.2); c.1508C>G, p.Thr503Ser (NM_001362177.2); short protein forms T624S, T573S, T503S, T623S.
Identifiers: ClinVar variation 578633 (VCV000578633.8), dbSNP rs754401816, ClinGen allele CA375363029.
Genomic context (GRCh38, chr9:132,905,707, plus strand): 5'-GAGGTAGAGGGCACACCATCTTCCTCTGTGTTTCCTTTTGCTTTCTTTAACAGCTCCTCA[G>C]TCTTCCTGATGACAAAATGATGGGCTGTCTTTGGCAATGCCACCTCAAAAAGATGATCAT-3'
Protein context (NP_000359.1, residues 614-634): KTAHHFVIRK[Thr624Ser]EELLKKAKGN

ClinVar aggregate classification (germline): Uncertain significance (1 of 4 stars; one submission).

Conditions:
Tuberous sclerosis 1 (TSC1). Identifiers: Orphanet 805, MedGen C1854465, MONDO:0008612, OMIM 191100.

Submission:

Labcorp Genetics (formerly Invitae), Labcorp
Classification: Uncertain significance for Tuberous sclerosis 1. Last evaluated: 2018-02-27. Review status: criteria provided, single submitter. Criteria: Invitae Variant Classification Sherloc (09022015). Collection method: clinical testing. Allele origin: germline.
Comment: In summary, the available evidence is currently insufficient to determine the role of this variant in disease. Therefore, it has been classified as a Variant of Uncertain Significance. Algorithms developed to predict the effect of sequence changes on RNA splicing suggest that this variant may create or strengthen a splice site, but this prediction has not been confirmed by published transcriptional studies. Algorithms developed to predict the effect of missense changes on protein structure and function (SIFT, PolyPhen-2, Align-GVGD) all suggest that this variant is likely to be tolerated, but these predictions have not been confirmed by published functional studies and their clinical significance is uncertain. This variant has not been reported in the literature in individuals with TSC1-related disease. This variant is not present in population databases (ExAC no frequency). This sequence change replaces threonine with serine at codon 624 of the TSC1 protein (p.Thr624Ser). The threonine residue is highly conserved and there is a small physicochemical difference between threonine and serine.